The following is an entry in ClinVar:

ClinVar aggregate classification (germline): Uncertain significance (1 of 4 stars; one submission).

Allele frequency attached by ClinVar (database versions not stated): gnomAD exomes below 0.00001.
gnomAD v4.1: 1 of 1,613,530 alleles (0.000062%); highest among the groups gnomAD compares: Non-Finnish European, 0.000085%; no homozygotes.

Submission:

Labcorp Genetics (formerly Invitae), Labcorp
Classification: Uncertain significance. Last evaluated: 2022-08-09. Review status: criteria provided, single submitter. Criteria: Invitae Variant Classification Sherloc (09022015). Collection method: clinical testing. Allele origin: germline.
Comment: In summary, the available evidence is currently insufficient to determine the role of this variant in disease. Therefore, it has been classified as a Variant of Uncertain Significance. Algorithms developed to predict the effect of missense changes on protein structure and function are either unavailable or do not agree on the potential impact of this missense change (SIFT: "Deleterious"; PolyPhen-2: "Benign"; Align-GVGD: "Class C15"). ClinVar contains an entry for this variant (Variation ID: 1378406). This variant has not been reported in the literature in individuals affected with TSPAN12-related conditions. This variant is not present in population databases (gnomAD no frequency). This sequence change replaces phenylalanine, which is neutral and non-polar, with leucine, which is neutral and non-polar, at codon 165 of the TSPAN12 protein (p.Phe165Leu).

NM_012338.4(TSPAN12):c.493T>C (p.Phe165Leu)

Gene: TSPAN12 (tetraspanin 12; minus strand). Cytogenetic location: 7q31.31.
Variant type: single nucleotide variant.
Coding change: c.493T>C on transcript NM_012338.4 (MANE Select); coding-DNA position 493, T replaced by C.
Protein change: p.Phe165Leu; replaces phenylalanine 165 with leucine.
Molecular consequence: missense variant.
Genome position (GRCh38, 1-based): chr7:120,806,668, A>G on the plus strand (T>C on the coding strand, the complement: TSPAN12 is on the minus strand). VCF-style: chr7-120806668-A-G. GRCh37 (hg19) VCF-style: chr7-120446722-A-G.
Other names: short protein forms F165L.
Identifiers: ClinVar variation 1378406 (VCV001378406.6), dbSNP rs2116348557, ClinGen allele CA369136488.